The following is an entry in ClinVar:

ClinVar aggregate classification (germline): Uncertain significance (1 of 4 stars; one submission).

Allele frequency attached by ClinVar (database versions not stated): gnomAD exomes below 0.00001.
gnomAD v4.1: 5 of 1,603,072 alleles (0.00031%); highest among the groups gnomAD compares: Non-Finnish European, 0.00042%; no homozygotes.

Submission:

Labcorp Genetics (formerly Invitae), Labcorp
Classification: Uncertain significance. Last evaluated: 2022-07-26. Review status: criteria provided, single submitter. Criteria: Invitae Variant Classification Sherloc (09022015). Collection method: clinical testing. Allele origin: germline.
Comment: In summary, the available evidence is currently insufficient to determine the role of this variant in disease. Therefore, it has been classified as a Variant of Uncertain Significance. Algorithms developed to predict the effect of missense changes on protein structure and function (SIFT, PolyPhen-2, Align-GVGD) all suggest that this variant is likely to be disruptive. This variant has not been reported in the literature in individuals affected with SLC18A3-related conditions. This variant is not present in population databases (gnomAD no frequency). This sequence change replaces proline, which is neutral and non-polar, with histidine, which is basic and polar, at codon 265 of the SLC18A3 protein (p.Pro265His).

NM_003055.3(SLC18A3):c.794C>A (p.Pro265His)

Genes: CHAT (choline O-acetyltransferase; plus strand), SLC18A3 (solute carrier family 18 member A3; plus strand). Cytogenetic location: 10q11.23.
Variant type: single nucleotide variant.
Coding change: c.794C>A on transcript NM_003055.3 (MANE Select); coding-DNA position 794, C replaced by A.
Protein change: p.Pro265His; replaces proline 265 with histidine.
Molecular consequence: missense variant. On other transcripts: intron variant (1).
Genome position (GRCh38, 1-based): chr10:49,611,534, C>A. VCF-style: chr10-49611534-C-A. GRCh37 (hg19) VCF-style: chr10-50819580-C-A.
Other names: c.-69+2335C>A (NM_020984.4); short protein forms P265H.
Identifiers: ClinVar variation 1944424 (VCV001944424.4), dbSNP rs1454536274, ClinGen allele CA376720808.